The following is an entry in ClinVar:

ClinVar aggregate classification (germline): Pathogenic. Review status: reviewed by expert panel (3 of 4 stars). 5 submissions from 5 submitters: Pathogenic (1). 4 of the submissions do not count toward it. Last evaluated 2026-05-19.

Conditions:
Ornithine carbamoyltransferase deficiency (OTCD). Also called: Ornithine Carbamoyltransferase Deficiency Disease; ORNITHINE TRANSCARBAMYLASE DEFICIENCY; ORNITHINE TRANSCARBAMYLASE DEFICIENCY, HYPERAMMONEMIA DUE TO; OTC DEFICIENCY. Identifiers: Orphanet 664, MedGen C0268542, MONDO:0010703, OMIM 311250.

Submissions (5):

Clingen Urea Cycle Disorders Variant Curation Expert Panel, ClinGen
Classification: Pathogenic for Ornithine carbamoyltransferase deficiency. Last evaluated: 2026-05-19. Review status: reviewed by expert panel. Criteria: ClinGen UreaCycles ACMG Specifications OTC V1.0. Collection method: curation. Allele origin: germline. Inheritance: X-linked inheritance.
Comment: The NM_000531.6:c.298+2T>G variant in the OTC gene affects the canonical donor splice site in the third intron. The variant is predicted by SpliceAI to result in donor loss at intron 3 and result in altered splicing (PVS1). This variant has been detected in two unrelated individuals with OTC deficiency (PMID: PMID: 34014569, PMID: 31415401* [counted for PP4]) (PS4_Supporting). One of these individuals had elevated urine orotic acid (PMID: 31415401) (1pt) (PP4). This variant is absent in gnomAD v4.1.0 (PM2_Supporting). In summary, this variant meets the criteria to be classified as pathogenic for OTC deficiency based on the ACMG/AMP criteria applied, as specified by the ClinGen Urea Cycle Disorders Variant Curation Expert Panel (OTC specifications version 1.0.0): PVS1, PS4_Supporting, PM2_Supporting, PP4.

Genome-Nilou Lab
Classification: Pathogenic for Ornithine carbamoyltransferase deficiency. Last evaluated: 2021-11-07. Review status: criteria provided, single submitter. Criteria: ACMG Guidelines, 2015. Collection method: clinical testing. Allele origin: germline. Affected: no. Not counted in ClinVar's aggregate classification.

Labcorp Genetics (formerly Invitae), Labcorp
Classification: Pathogenic for Ornithine carbamoyltransferase deficiency. Last evaluated: 2019-02-18. Review status: criteria provided, single submitter. Criteria: Invitae Variant Classification Sherloc (09022015). Collection method: clinical testing. Allele origin: germline. Not counted in ClinVar's aggregate classification.
Comment: For these reasons, this variant has been classified as Pathogenic. Donor and acceptor splice site variants typically lead to a loss of protein function (PMID: 16199547), and loss-of-function variants in OTC are known to be pathogenic (PMID: 10946359, 16786505). Algorithms developed to predict the effect of sequence changes on RNA splicing suggest that this variant may disrupt the consensus splice site, but this prediction has not been confirmed by published transcriptional studies. Disruption of this splice site has been observed in individuals affected with ornithine transcarbamylase deficiency (PMID: 25433810, 16786505, 8530002, 28815739). ClinVar contains an entry for this variant (Variation ID: 451770). This variant is not present in population databases (ExAC no frequency). This sequence change affects a donor splice site in intron 3 of the OTC gene. It is expected to disrupt RNA splicing and likely results in an absent or disrupted protein product.

GeneDx
Classification: Pathogenic. Last evaluated: 2017-08-29. Review status: criteria provided, single submitter. Criteria: GeneDx Variant Classification (06012015). Collection method: clinical testing. Allele origin: germline. Affected: yes. Not counted in ClinVar's aggregate classification.
Comment: The c.298+2 T>G splice site variant in the OTC gene destroys the canonical splice donor site in intron 3. It is predicted to cause abnormal gene splicing, either leading to an abnormal message that is subject to nonsense-mediated mRNA decay, or to an abnormal protein product if the message is used for protein translation. Additionally, the c.298+2 T>G variant is not observed in large population cohorts (Lek et al., 2016; 1000 Genomes Consortium et al., 2015; Exome Variant Server). Although this variant has not been previously reported to our knowledge, it is expected to be a pathogenic variant.

Molecular Genetics laboratory, Necker Hospital
Classification: Pathogenic for Ornithine carbamoyltransferase deficiency. Review status: no assertion criteria provided. Collection method: clinical testing. Allele origin: maternal. Affected: yes. Not counted in ClinVar's aggregate classification.

Literature cited by the submitters: PubMed 16199547 (cited by Labcorp Genetics (formerly Invitae), Labcorp); PubMed 10946359 (cited by Labcorp Genetics (formerly Invitae), Labcorp); PubMed 16786505 (cited by Labcorp Genetics (formerly Invitae), Labcorp); PubMed 25433810 (cited by Labcorp Genetics (formerly Invitae), Labcorp); PubMed 8530002 (cited by Labcorp Genetics (formerly Invitae), Labcorp); PubMed 28815739 (cited by Labcorp Genetics (formerly Invitae), Labcorp).

NM_000531.6(OTC):c.298+2T>G

Gene: OTC (ornithine transcarbamylase; plus strand). Cytogenetic location: Xp11.4.
Variant type: single nucleotide variant.
Coding change: c.298+2T>G on transcript NM_000531.6 (MANE Select); the canonical splice donor site of the intron after coding-DNA position 298, T replaced by G.
Molecular consequence: splice donor variant.
Genome position (GRCh38, 1-based): chrX:38,369,879, T>G. VCF-style: chrX-38369879-T-G. GRCh37 (hg19) VCF-style: chrX-38229132-T-G.
Other names: c.298+2T>G (NM_001407092.1).
Identifiers: ClinVar variation 451770 (VCV000451770.18), dbSNP rs1555972538, ClinGen allele CA412717048.